The following is an entry in ClinVar:

ClinVar aggregate classification (germline): Uncertain significance (1 of 4 stars; one submission).

Allele frequency attached by ClinVar (database versions not stated): gnomAD exomes below 0.00001.
gnomAD v4.1: 3 of 1,613,924 alleles (0.00019%); highest among the groups gnomAD compares: Non-Finnish European, 0.00017%; no homozygotes.

Submission:

Labcorp Genetics (formerly Invitae), Labcorp
Classification: Uncertain significance. Last evaluated: 2024-10-22. Review status: criteria provided, single submitter. Criteria: Invitae Variant Classification Sherloc (09022015). Collection method: clinical testing. Allele origin: germline.
Comment: This sequence change replaces serine, which is neutral and polar, with phenylalanine, which is neutral and non-polar, at codon 247 of the MEOX1 protein (p.Ser247Phe). This variant is not present in population databases (gnomAD no frequency). This variant has not been reported in the literature in individuals affected with MEOX1-related conditions. ClinVar contains an entry for this variant (Variation ID: 1509826). An algorithm developed to predict the effect of missense changes on protein structure and function (PolyPhen-2) suggests that this variant is likely to be disruptive. In summary, the available evidence is currently insufficient to determine the role of this variant in disease. Therefore, it has been classified as a Variant of Uncertain Significance.

NM_004527.4(MEOX1):c.740C>T (p.Ser247Phe)

Gene: MEOX1 (mesenchyme homeobox 1; minus strand). Cytogenetic location: 17q21.31.
Variant type: single nucleotide variant.
Coding change: c.740C>T on transcript NM_004527.4 (MANE Select); coding-DNA position 740, C replaced by T.
Protein change: p.Ser247Phe; replaces serine 247 with phenylalanine.
Molecular consequence: missense variant. On other transcripts: 3 prime UTR variant (1).
Genome position (GRCh38, 1-based): chr17:43,641,935, G>A on the plus strand (C>T on the coding strand, the complement: MEOX1 is on the minus strand). VCF-style: chr17-43641935-G-A. GRCh37 (hg19) VCF-style: chr17-41719303-G-A.
Other names: c.395C>T, p.Ser132Phe (NM_001040002.2); c.*12C>T (NM_013999.4); short protein forms S132F, S247F.
Identifiers: ClinVar variation 1509826 (VCV001509826.6), dbSNP rs905491534, ClinGen allele CA291669770.